The following is an entry in ClinVar:

NM_015909.4(NBAS):c.505A>C (p.Ile169Leu)

Gene: NBAS (NBAS subunit of NRZ tethering complex; minus strand). Cytogenetic location: 2p24.3.
Variant type: single nucleotide variant.
Coding change: c.505A>C on transcript NM_015909.4 (MANE Select); coding-DNA position 505, A replaced by C.
Protein change: p.Ile169Leu; replaces isoleucine 169 with leucine.
Molecular consequence: missense variant. On other transcripts: non-coding transcript variant (1).
Genome position (GRCh38, 1-based): chr2:15,539,231, T>G on the plus strand (A>C on the coding strand, the complement: NBAS is on the minus strand). VCF-style: chr2-15539231-T-G. GRCh37 (hg19) VCF-style: chr2-15679355-T-G.
Other names: c.505A>C (NM_015909.2); short protein forms I169L.
Identifiers: ClinVar variation 1926801 (VCV001926801.3), dbSNP rs1360379183, ClinGen allele CA345887682.

ClinVar aggregate classification (germline): Uncertain significance. Review status: criteria provided, multiple submitters, no conflicts (2 of 4 stars). 2 submissions from 2 submitters: Uncertain significance (2). Last evaluated 2025-10-07.

Conditions:
Inborn genetic diseases. Identifiers: MedGen C0950123, MeSH D030342.

Allele frequency attached by ClinVar (database versions not stated): gnomAD exomes below 0.00001.
gnomAD v4.1: 2 of 1,614,156 alleles (0.00012%); highest among the groups gnomAD compares: Admixed American, 0.0033%; no homozygotes.

Submissions (2):

Ambry Genetics
Classification: Uncertain significance for Inborn genetic diseases. Last evaluated: 2025-10-07. Review status: criteria provided, single submitter. Criteria: Ambry Variant Classification Scheme 2023. Collection method: clinical testing. Allele origin: germline.

Labcorp Genetics (formerly Invitae), Labcorp
Classification: Uncertain significance. Last evaluated: 2022-03-14. Review status: criteria provided, single submitter. Criteria: Invitae Variant Classification Sherloc (09022015). Collection method: clinical testing. Allele origin: germline.
Comment: This sequence change replaces isoleucine, which is neutral and non-polar, with leucine, which is neutral and non-polar, at codon 169 of the NBAS protein (p.Ile169Leu). This variant is present in population databases (no rsID available, gnomAD 0.006%). This variant has not been reported in the literature in individuals affected with NBAS-related conditions. Algorithms developed to predict the effect of missense changes on protein structure and function are either unavailable or do not agree on the potential impact of this missense change (SIFT: "Deleterious"; PolyPhen-2: "Benign"; Align-GVGD: "Class C0"). In summary, the available evidence is currently insufficient to determine the role of this variant in disease. Therefore, it has been classified as a Variant of Uncertain Significance.